The following is an entry in ClinVar:

ClinVar aggregate classification (germline): Uncertain significance (1 of 4 stars; one submission).

Conditions:
Cardiovascular phenotype. Identifiers: MedGen CN230736.

Allele frequency attached by ClinVar (database versions not stated): TOPMed below 0.00001.
gnomAD v4.1: 16 of 1,612,680 alleles (0.00099%); highest among the groups gnomAD compares: Non-Finnish European, 0.0013%; no homozygotes.

Submission:

Ambry Genetics
Classification: Uncertain significance for Cardiovascular phenotype. Last evaluated: 2024-03-17. Review status: criteria provided, single submitter. Criteria: Ambry Variant Classification Scheme 2023. Collection method: clinical testing. Allele origin: germline.
Comment: The p.Q3386H variant (also known as c.10158G>C), located in coding exon 29 of the TNXB gene, results from a G to C substitution at nucleotide position 10158. The glutamine at codon 3386 is replaced by histidine, an amino acid with highly similar properties. This amino acid position is conserved. In addition, this alteration is predicted to be tolerated by in silico analysis. Since supporting evidence is limited at this time, the clinical significance of this alteration remains unclear.

NM_001365276.2(TNXB):c.10164G>C (p.Gln3388His)

Gene: TNXB (tenascin XB; minus strand). Cytogenetic location: 6p21.33.
Variant type: single nucleotide variant.
Coding change: c.10164G>C on transcript NM_001365276.2 (MANE Select); coding-DNA position 10164, G replaced by C.
Protein change: p.Gln3388His; replaces glutamine 3388 with histidine.
Molecular consequence: missense variant.
Genome position (GRCh38, 1-based): chr6:32,047,894, C>G on the plus strand (G>C on the coding strand, the complement: TNXB is on the minus strand). VCF-style: chr6-32047894-C-G. GRCh37 (hg19) VCF-style: chr6-32015671-C-G.
Other names: c.10158G>C, p.Gln3386His (NM_019105.8); short protein forms Q3386H, Q3388H.
Identifiers: ClinVar variation 1741068 (VCV001741068.2), dbSNP rs1776996797, ClinGen allele CA363531924.